The following is an entry in ClinVar:

NM_004525.3(LRP2):c.13459A>G (p.Met4487Val)

Gene: LRP2 (LDL receptor related protein 2; minus strand). Cytogenetic location: 2q31.1.
Variant type: single nucleotide variant.
Coding change: c.13459A>G on transcript NM_004525.3 (MANE Select); coding-DNA position 13459, A replaced by G.
Protein change: p.Met4487Val; replaces methionine 4487 with valine.
Molecular consequence: missense variant.
Genome position (GRCh38, 1-based): chr2:169,138,636, T>C on the plus strand (A>G on the coding strand, the complement: LRP2 is on the minus strand). VCF-style: chr2-169138636-T-C. GRCh37 (hg19) VCF-style: chr2-169995146-T-C.
Other names: c.13459A>G (NM_004525.2); short protein forms M4487V.
Identifiers: ClinVar variation 1502551 (VCV001502551.4), dbSNP rs541246483, ClinGen allele CA1952538.

ClinVar aggregate classification (germline): Uncertain significance. Review status: criteria provided, multiple submitters, no conflicts (2 of 4 stars). 2 submissions from 2 submitters: Uncertain significance (2). Last evaluated 2025-03-22.

Conditions:
Inborn genetic diseases. Identifiers: MedGen C0950123, MeSH D030342.

Allele frequency attached by ClinVar (database versions not stated): gnomAD exomes 0.00001; TOPMed 0.00002.
gnomAD v4.1: 16 of 1,614,024 alleles (0.00099%); highest among the groups gnomAD compares: South Asian, 0.0011%; no homozygotes.

Submissions (2):

Ambry Genetics
Classification: Uncertain significance for Inborn genetic diseases. Last evaluated: 2025-03-22. Review status: criteria provided, single submitter. Criteria: Ambry Variant Classification Scheme 2023. Collection method: clinical testing. Allele origin: germline.

Labcorp Genetics (formerly Invitae), Labcorp
Classification: Uncertain significance. Last evaluated: 2021-08-02. Review status: criteria provided, single submitter. Criteria: Invitae Variant Classification Sherloc (09022015). Collection method: clinical testing. Allele origin: germline.
Comment: This sequence change replaces methionine with valine at codon 4487 of the LRP2 protein (p.Met4487Val). The methionine residue is moderately conserved and there is a small physicochemical difference between methionine and valine. This variant is present in population databases (rs541246483, ExAC 0.006%). This variant has not been reported in the literature in individuals affected with LRP2-related conditions. Advanced modeling of protein sequence and biophysical properties (such as structural, functional, and spatial information, amino acid conservation, physicochemical variation, residue mobility, and thermodynamic stability) performed at Invitae indicates that this missense variant is not expected to disrupt LRP2 protein function. In summary, the available evidence is currently insufficient to determine the role of this variant in disease. Therefore, it has been classified as a Variant of Uncertain Significance.